The following is an entry in ClinVar:

NM_133433.4(NIPBL):c.5863-32G>A

Gene: NIPBL (NIPBL cohesin loading factor; plus strand). Cytogenetic location: 5p13.2.
Variant type: single nucleotide variant.
Coding change: c.5863-32G>A on transcript NM_133433.4 (MANE Select); 32 bases into the intron before coding-DNA position 5863, G replaced by A.
Molecular consequence: intron variant.
Genome position (GRCh38, 1-based): chr5:37,036,347, G>A. VCF-style: chr5-37036347-G-A. GRCh37 (hg19) VCF-style: chr5-37036449-G-A.
Other names: c.5863-32G>A (NM_015384.5).
Identifiers: ClinVar variation 3054731 (VCV003054731.2), dbSNP rs201918847, ClinGen allele CA117036778.

ClinVar aggregate classification (germline): Likely benign (0 of 4 stars; one submission).

Conditions:
NIPBL-related disorder. Also called: NIPBL-related condition.

Allele frequency attached by ClinVar (database versions not stated): gnomAD 0.00029.
gnomAD v4.1: 89 of 384,388 alleles (0.023%); highest among the groups gnomAD compares: Admixed American, 0.2%; no homozygotes.

Submission:

PreventionGenetics, part of Exact Sciences
Classification: Likely benign for NIPBL-related condition. Last evaluated: 2022-02-01. Review status: no assertion criteria provided. Collection method: clinical testing. Allele origin: germline.
Comment: This variant is classified as likely benign based on ACMG/AMP sequence variant interpretation guidelines (Richards et al. 2015 PMID: 25741868, with internal and published modifications).